The following is an entry in ClinVar:

ClinVar aggregate classification (germline): Pathogenic. Review status: criteria provided, multiple submitters, no conflicts (2 of 4 stars). 2 submissions from 2 submitters: Pathogenic (2). Last evaluated 2025-12-15.

Conditions:
Triglyceride storage disease with ichthyosis (CDS). Also called: ICHTHYOSIFORM ERYTHRODERMA WITH LEUKOCYTE VACUOLATION; Dorfman-Chanarin disease; TRIGLYCERIDE STORAGE DISEASE WITH IMPAIRED LONG-CHAIN FATTY ACID OXIDATION; Chanarin-Dorfman Syndrome. Identifiers: Orphanet 98907, MedGen C0268238, MONDO:0010155, OMIM 275630.

gnomAD v4.1: 7 of 1,614,030 alleles (0.00043%); highest among the groups gnomAD compares: Admixed American, 0.0033%; no homozygotes.

Submissions (2):

Labcorp Genetics (formerly Invitae), Labcorp
Classification: Pathogenic. Last evaluated: 2025-12-15. Review status: criteria provided, single submitter. Criteria: Invitae Variant Classification Sherloc (09022015). Collection method: clinical testing. Allele origin: germline.
Comment: This sequence change creates a premature translational stop signal (p.Arg184*) in the ABHD5 gene. It is expected to result in an absent or disrupted protein product. Loss-of-function variants in ABHD5 are known to be pathogenic (PMID: 11590543). This variant is present in population databases (rs138876970, gnomAD 0.007%). This premature translational stop signal has been observed in individual(s) with Dorfman-Chanarin syndrome (PMID: 14708602). ClinVar contains an entry for this variant (Variation ID: 973467). For these reasons, this variant has been classified as Pathogenic.

Elsea Laboratory, Baylor College of Medicine
Classification: Pathogenic for Triglyceride storage disease with ichthyosis. Last evaluated: 2020-04-01. Review status: criteria provided, single submitter. Criteria: ACMG Guidelines, 2015. Collection method: clinical testing. Allele origin: maternal, paternal. Affected: yes.

Literature cited by the submitters: PubMed 11590543 (cited by Labcorp Genetics (formerly Invitae), Labcorp); PubMed 14708602 (cited by Labcorp Genetics (formerly Invitae), Labcorp).

NM_016006.6(ABHD5):c.550C>T (p.Arg184Ter)

Gene: ABHD5 (abhydrolase domain containing 5, lysophosphatidic acid acyltransferase; plus strand). Cytogenetic location: 3p21.33.
Variant type: single nucleotide variant.
Coding change: c.550C>T on transcript NM_016006.6 (MANE Select); coding-DNA position 550, C replaced by T.
Protein change: p.Arg184Ter; replaces arginine 184 with a stop codon.
Molecular consequence: nonsense. On other transcripts: non-coding transcript variant (1).
Genome position (GRCh38, 1-based): chr3:43,711,752, C>T. VCF-style: chr3-43711752-C-T. GRCh37 (hg19) VCF-style: chr3-43753244-C-T.
Other names: c.550C>T, p.Arg184Ter (NM_001355186.2, NM_001365650.1); c.427C>T, p.Arg143Ter (NM_001365649.1); short protein forms R143*, R184*.
Identifiers: ClinVar variation 973467 (VCV000973467.6), dbSNP rs138876970, ClinGen allele CA2341374.